The following is an entry in ClinVar:

NM_001190274.2(FBXO11):c.1277A>G (p.Asn426Ser)

Gene: FBXO11 (F-box protein 11; minus strand). Cytogenetic location: 2p16.3.
Variant type: single nucleotide variant.
Coding change: c.1277A>G on transcript NM_001190274.2 (MANE Select); coding-DNA position 1277, A replaced by G.
Protein change: p.Asn426Ser; replaces asparagine 426 with serine.
Molecular consequence: missense variant.
Genome position (GRCh38, 1-based): chr2:47,832,470, T>C on the plus strand (A>G on the coding strand, the complement: FBXO11 is on the minus strand). VCF-style: chr2-47832470-T-C. GRCh37 (hg19) VCF-style: chr2-48059609-T-C.
Other names: c.1025A>G, p.Asn342Ser (NM_001374325.1, NM_025133.4); short protein forms N342S, N426S.
Identifiers: ClinVar variation 3893569 (VCV003893569.1).

ClinVar aggregate classification (germline): Uncertain significance (1 of 4 stars; one submission).

Submission:

GeneDx
Classification: Uncertain significance. Last evaluated: 2024-10-23. Review status: criteria provided, single submitter. Criteria: GeneDx Variant Classification Process June 2021. Collection method: clinical testing. Allele origin: germline. Affected: yes.
Comment: Not observed at significant frequency in large population cohorts (gnomAD); In silico analysis indicates that this missense variant does not alter protein structure/function; Has not been previously published as pathogenic or benign to our knowledge